The following is an entry in ClinVar:

NM_138370.3(PKDCC):c.911C>A (p.Thr304Lys)

Gene: PKDCC (protein kinase domain containing, cytoplasmic; plus strand). Cytogenetic location: 2p21.
Variant type: single nucleotide variant.
Coding change: c.911C>A on transcript NM_138370.3 (MANE Select); coding-DNA position 911, C replaced by A.
Protein change: p.Thr304Lys; replaces threonine 304 with lysine.
Molecular consequence: missense variant.
Genome position (GRCh38, 1-based): chr2:42,054,184, C>A. VCF-style: chr2-42054184-C-A. GRCh37 (hg19) VCF-style: chr2-42281324-C-A.
Other names: c.911C>A (NM_138370.2); short protein forms T304K.
Identifiers: ClinVar variation 1517096 (VCV001517096.7), dbSNP rs150069795, ClinGen allele CA1628060.

ClinVar aggregate classification (germline): Uncertain significance. Review status: criteria provided, multiple submitters, no conflicts (2 of 4 stars). 2 submissions from 2 submitters: Uncertain significance (2). Last evaluated 2024-09-30.

Conditions:
Inborn genetic diseases. Identifiers: MedGen C0950123, MeSH D030342.

gnomAD v4.1: 60 of 1,609,850 alleles (0.0037%); highest among the groups gnomAD compares: Non-Finnish European, 0.0051%; no homozygotes.

Submissions (2):

Ambry Genetics
Classification: Uncertain significance for Inborn genetic diseases. Last evaluated: 2024-09-30. Review status: criteria provided, single submitter. Criteria: Ambry Variant Classification Scheme 2023. Collection method: clinical testing. Allele origin: germline.

Labcorp Genetics (formerly Invitae), Labcorp
Classification: Uncertain significance. Last evaluated: 2021-07-08. Review status: criteria provided, single submitter. Criteria: Invitae Variant Classification Sherloc (09022015). Collection method: clinical testing. Allele origin: germline.
Comment: This sequence change replaces threonine with lysine at codon 304 of the PKDCC protein (p.Thr304Lys). The threonine residue is highly conserved and there is a moderate physicochemical difference between threonine and lysine. This variant is present in population databases (rs150069795, ExAC 0.002%). This variant has not been reported in the literature in individuals affected with PKDCC-related conditions. Algorithms developed to predict the effect of missense changes on protein structure and function are either unavailable or do not agree on the potential impact of this missense change (SIFT: "Deleterious"; PolyPhen-2: "Benign"; Align-GVGD: "Class C15"). In summary, the available evidence is currently insufficient to determine the role of this variant in disease. Therefore, it has been classified as a Variant of Uncertain Significance.